The following is an entry in ClinVar:

Conditions:
Breast-ovarian cancer, familial, susceptibility to, 1 (BROVCA1). Also called: BRCA1 Hereditary Breast and Ovarian Cancer; OVARIAN CANCER, SUSCEPTIBILITY TO. Identifiers: Orphanet 145, MedGen C2676676, MONDO:0011450, OMIM 604370. Disease mechanism: loss of function.

Submission:

Brotman Baty Institute, University of Washington
No classification provided (evidence only). Condition: Breast-ovarian cancer, familial 1. Review status: no classification provided. Collection method: in vitro. Allele origin: not applicable. Functional consequence: functionally_normal.
ClinVar note: "not provided" was previously submitted as the classification for the variant. However, the classification appeared to be based only on an observation of functional data so it was converted to no classification on 2025-07-30.

NM_007294.4(BRCA1):c.5194-8T>C

Gene: BRCA1 (BRCA1 DNA repair associated; minus strand). Cytogenetic location: 17q21.31.
Variant type: single nucleotide variant.
Coding change: c.5194-8T>C on transcript NM_007294.4 (MANE Select); 8 bases into the intron before coding-DNA position 5194, T replaced by C.
Molecular consequence: intron variant.
Genome position (GRCh38, 1-based): chr17:43,057,143, A>G on the plus strand (T>C on the coding strand, the complement: BRCA1 is on the minus strand). VCF-style: chr17-43057143-A-G. GRCh37 (hg19) VCF-style: chr17-41209160-A-G.
Other names: c.1501-8T>C (NM_001408511.1); c.1744-8T>C (NM_001408457.1, NM_001408454.1, NM_001408456.1 and 3 more transcripts); c.5053-8T>C (NM_001407692.1, NM_001407729.1, NM_001407698.1 and 13 more transcripts); c.4810-8T>C (NM_001407960.1, NM_001407962.1); c.1615-8T>C (NM_001408505.1); c.4732-8T>C (NM_001407964.1); c.5047-8T>C (NM_001407844.1, NM_001407851.1, NM_001407849.1 and 12 more transcripts); c.5050-8T>C (NM_001407743.1, NM_001407735.1, NM_001407744.1 and 21 more transcripts); and 72 more.
Identifiers: ClinVar variation 867824 (VCV000867824.3), dbSNP rs200599235, ClinGen allele CA290823507.